The following is an entry in ClinVar:

ClinVar aggregate classification (germline): Uncertain significance (1 of 4 stars; one submission).

Conditions:
Hereditary hemorrhagic telangiectasia (HHT). Also called: Osler hemorrhagic telangiectasia syndrome; ORW DISEASE; Osler Weber Rendu syndrome; OSLER-RENDU-WEBER DISEASE. Identifiers: Orphanet 774, MedGen C0039445, MONDO:0019180. Disease mechanism: loss of function.

Allele frequency attached by ClinVar (database versions not stated): TOPMed 0.00003.
gnomAD v4.1: 1 of 1,613,734 alleles (0.000062%); highest among the groups gnomAD compares: African/African-American, 0.0013%; no homozygotes.

Submission:

Labcorp Genetics (formerly Invitae), Labcorp
Classification: Uncertain significance for Hereditary hemorrhagic telangiectasia. Last evaluated: 2024-10-29. Review status: criteria provided, single submitter. Criteria: Invitae Variant Classification Sherloc (09022015). Collection method: clinical testing. Allele origin: germline.
Comment: This sequence change replaces histidine, which is basic and polar, with asparagine, which is neutral and polar, at codon 379 of the ENG protein (p.His379Asn). This variant is present in population databases (no rsID available, gnomAD 0.007%). This variant has not been reported in the literature in individuals affected with ENG-related conditions. ClinVar contains an entry for this variant (Variation ID: 998642). An algorithm developed to predict the effect of missense changes on protein structure and function (PolyPhen-2) suggests that this variant is likely to be tolerated. In summary, the available evidence is currently insufficient to determine the role of this variant in disease. Therefore, it has been classified as a Variant of Uncertain Significance.

NM_001114753.3(ENG):c.1135C>A (p.His379Asn)

Genes: ENG (endoglin; minus strand), LOC102723566 (uncharacterized LOC102723566; plus strand). Cytogenetic location: 9q34.11.
Variant type: single nucleotide variant.
Coding change: c.1135C>A on transcript NM_001114753.3 (MANE Select); coding-DNA position 1135, C replaced by A.
Protein change: p.His379Asn; replaces histidine 379 with asparagine.
Molecular consequence: missense variant.
Genome position (GRCh38, 1-based): chr9:127,820,037, G>T on the plus strand (C>A on the coding strand, the complement: ENG is on the minus strand). VCF-style: chr9-127820037-G-T. GRCh37 (hg19) VCF-style: chr9-130582316-G-T.
Other names: c.1135C>A, p.His379Asn (NM_000118.4); c.589C>A, p.His197Asn (NM_001278138.2); short protein forms H197N, H379N.
Identifiers: ClinVar variation 998642 (VCV000998642.10), dbSNP rs771599199, ClinGen allele CA200305667.